The following is an entry in ClinVar:

NM_001113491.2(SEPTIN9):c.985C>A (p.Gln329Lys)

Gene: SEPTIN9 (septin 9; plus strand). Cytogenetic location: 17q25.3.
Variant type: single nucleotide variant.
Coding change: c.985C>A on transcript NM_001113491.2 (MANE Select); coding-DNA position 985, C replaced by A.
Protein change: p.Gln329Lys; replaces glutamine 329 with lysine.
Molecular consequence: missense variant.
Genome position (GRCh38, 1-based): chr17:77,487,495, C>A. VCF-style: chr17-77487495-C-A. GRCh37 (hg19) VCF-style: chr17-75483577-C-A.
Other names: c.493C>A, p.Gln165Lys (NM_001113492.2, NM_001113494.1); c.964C>A, p.Gln322Lys (NM_001113493.2); c.232C>A, p.Gln78Lys (NM_001113495.2, NM_001113496.2, NM_001293697.2 and 1 more transcripts); c.928C>A, p.Gln310Lys (NM_001293695.2); c.313C>A, p.Gln105Lys (NM_001293696.2); c.931C>A, p.Gln311Lys (NM_006640.5); short protein forms Q310K, Q311K, Q78K, Q105K, Q165K, Q322K, Q329K.
Identifiers: ClinVar variation 3001846 (VCV003001846.3), dbSNP rs569861063, ClinGen allele CA8793623.
Genomic context (GRCh38, chr17:77,487,495, plus strand): 5'-TTGGGTAAATCCACCTTAATCAACACCCTCTTCAAATCCAAAATCAGCCGGAAGTCGGTG[C>A]AGCCCACCTCAGAGGAGCGCATCCCCAAGACCATCGAGATCAAGTCCATCACGCACGGTC-3'
Protein context (NP_001106963.1, residues 319-339): FKSKISRKSV[Gln329Lys]PTSEERIPKT

ClinVar aggregate classification (germline): Uncertain significance (1 of 4 stars; one submission).

Allele frequency attached by ClinVar (database versions not stated): ExAC 0.00001; gnomAD 0.00001; 1000 Genomes Project 30x 0.00016; 1000 Genomes Project 0.00020.
gnomAD v4.1: 2 of 1,613,344 alleles (0.00012%); highest among the groups gnomAD compares: South Asian, 0.0011%; no homozygotes.

Submission:

Labcorp Genetics (formerly Invitae), Labcorp
Classification: Uncertain significance. Last evaluated: 2023-07-08. Review status: criteria provided, single submitter. Criteria: Invitae Variant Classification Sherloc (09022015). Collection method: clinical testing. Allele origin: germline.
Comment: In summary, the available evidence is currently insufficient to determine the role of this variant in disease. Therefore, it has been classified as a Variant of Uncertain Significance. Advanced modeling of protein sequence and biophysical properties (such as structural, functional, and spatial information, amino acid conservation, physicochemical variation, residue mobility, and thermodynamic stability) performed at Invitae indicates that this missense variant is not expected to disrupt SEPT9 protein function. This variant has not been reported in the literature in individuals affected with SEPT9-related conditions. This variant is present in population databases (rs569861063, gnomAD 0.003%). This sequence change replaces glutamine, which is neutral and polar, with lysine, which is basic and polar, at codon 311 of the SEPT9 protein (p.Gln311Lys).